The following is an entry in ClinVar:

NM_001985.3(ETFB):c.217-87C>T

Gene: ETFB (electron transfer flavoprotein subunit beta; minus strand). Cytogenetic location: 19q13.41.
Variant type: single nucleotide variant.
Coding change: c.217-87C>T on transcript NM_001985.3 (MANE Select); 87 bases into the intron before coding-DNA position 217, C replaced by T.
Molecular consequence: intron variant.
Genome position (GRCh38, 1-based): chr19:51,353,377, G>A on the plus strand (C>T on the coding strand, the complement: ETFB is on the minus strand). VCF-style: chr19-51353377-G-A. GRCh37 (hg19) VCF-style: chr19-51856631-G-A.
Other names: c.490-87C>T (NM_001014763.1).
Identifiers: ClinVar variation 676120 (VCV000676120.2), dbSNP rs3889312, ClinGen allele CA15958851.

ClinVar aggregate classification (germline): Benign. Review status: criteria provided, multiple submitters, no conflicts (2 of 4 stars). 2 submissions from 2 submitters: Benign (2). Last evaluated 2018-06-14.

Allele frequency attached by ClinVar (database versions not stated): gnomAD exomes 0.75040; 1000 Genomes Project 0.77536; gnomAD 0.82264 and 0.83076.
gnomAD v4.1: 480,628 of 626,376 alleles (77%); highest among the groups gnomAD compares: African/African-American, 86%; 190,308 homozygotes.

Submissions (2):

GeneDx
Classification: Benign. Last evaluated: 2018-06-14. Review status: criteria provided, single submitter. Criteria: GeneDx Variant Classification (06012015). Collection method: clinical testing. Allele origin: germline. Affected: yes.
Comment: This variant is considered likely benign or benign based on one or more of the following criteria: it is a conservative change, it occurs at a poorly conserved position in the protein, it is predicted to be benign by multiple in silico algorithms, and/or has population frequency not consistent with disease.

Breakthrough Genomics
Classification: Benign. Review status: criteria provided, single submitter. Criteria: ACMG Guidelines, 2015. Collection method: not provided. Allele origin: germline. Inheritance: Autosomal recessive inheritance. Affected: yes.